The following is an entry in ClinVar:

ClinVar aggregate classification (germline): Conflicting classifications of pathogenicity. Review status: criteria provided, conflicting classifications (1 of 4 stars). 5 submissions from 5 submitters: Uncertain significance (1); Likely benign (3). 1 of the submissions does not count toward it. Last evaluated 2024-09-17.

Conditions:
Inborn genetic diseases. Identifiers: MedGen C0950123, MeSH D030342.
Duane-radial ray syndrome (DRRS). Also called: ACRORENOOCULAR SYNDROME; DR SYNDROME; DUANE ANOMALY WITH RADIAL RAY ABNORMALITIES AND DEAFNESS; Okihiro Syndrome; Duane-Radial Ray Syndrome (DRRS) / Okihiro Syndrome; Duane-Radial Ray Syndrome/Okihiro Syndrome. Identifiers: Orphanet 93293, Orphanet 959, MedGen C1623209, MONDO:0011812, OMIM 607323. Disease mechanism: gain of function.
SALL4-Related Disorders. Also called: SALL4-related disorder; SALL4-related condition. Identifiers: MedGen CN381056.

Allele frequency attached by ClinVar (database versions not stated): TOPMed 0.00025; gnomAD 0.00029 and 0.00030; gnomAD exomes 0.00031; ExAC 0.00034; ESP Exome Variant Server 0.00046.
gnomAD v4.1: 760 of 1,614,032 alleles (0.047%); highest among the groups gnomAD compares: Non-Finnish European, 0.062%; 2 homozygotes.

Submissions (5):

Blueprint Genetics
Classification: Likely benign. Last evaluated: 2024-09-17. Review status: criteria provided, single submitter. Criteria: ACMG Guidelines, 2015. Collection method: clinical testing. Allele origin: germline.

Labcorp Genetics (formerly Invitae), Labcorp
Classification: Uncertain significance for Duane-radial ray syndrome. Last evaluated: 2024-01-29. Review status: criteria provided, single submitter. Criteria: Invitae Variant Classification Sherloc (09022015). Collection method: clinical testing. Allele origin: germline.
Comment: This sequence change replaces glycine, which is neutral and non-polar, with serine, which is neutral and polar, at codon 1035 of the SALL4 protein (p.Gly1035Ser). This variant is present in population databases (rs76648342, gnomAD 0.06%), and has an allele count higher than expected for a pathogenic variant. This variant has not been reported in the literature in individuals affected with SALL4-related conditions. ClinVar contains an entry for this variant (Variation ID: 674937). Algorithms developed to predict the effect of missense changes on protein structure and function output the following: SIFT: "Not Available"; PolyPhen-2: "Benign"; Align-GVGD: "Not Available". The serine amino acid residue is found in multiple mammalian species, which suggests that this missense change does not adversely affect protein function. In summary, the available evidence is currently insufficient to determine the role of this variant in disease. Therefore, it has been classified as a Variant of Uncertain Significance.

Ambry Genetics
Classification: Likely benign for Inborn genetic diseases. Last evaluated: 2023-10-30. Review status: criteria provided, single submitter. Criteria: Ambry Variant Classification Scheme 2023. Collection method: clinical testing. Allele origin: germline.

GeneDx
Classification: Likely benign. Last evaluated: 2018-03-14. Review status: criteria provided, single submitter. Criteria: GeneDx Variant Classification (06012015). Collection method: clinical testing. Allele origin: germline. Affected: yes.
Comment: This variant is considered likely benign or benign based on one or more of the following criteria: it is a conservative change, it occurs at a poorly conserved position in the protein, it is predicted to be benign by multiple in silico algorithms, and/or has population frequency not consistent with disease.

PreventionGenetics, part of Exact Sciences
Classification: Likely benign for SALL4-related condition. Last evaluated: 2023-09-29. Review status: no assertion criteria provided. Collection method: clinical testing. Allele origin: germline. Not counted in ClinVar's aggregate classification.
Comment: This variant is classified as likely benign based on ACMG/AMP sequence variant interpretation guidelines (Richards et al. 2015 PMID: 25741868, with internal and published modifications).

NM_020436.5(SALL4):c.3103G>A (p.Gly1035Ser)

Gene: SALL4 (spalt like transcription factor 4; minus strand). Cytogenetic location: 20q13.2.
Variant type: single nucleotide variant.
Coding change: c.3103G>A on transcript NM_020436.5 (MANE Select); coding-DNA position 3103, G replaced by A.
Protein change: p.Gly1035Ser; replaces glycine 1035 with serine.
Molecular consequence: missense variant.
Genome position (GRCh38, 1-based): chr20:51,784,324, C>T on the plus strand (G>A on the coding strand, the complement: SALL4 is on the minus strand). VCF-style: chr20-51784324-C-T. GRCh37 (hg19) VCF-style: chr20-50400863-C-T.
Other names: c.1792G>A, p.Gly598Ser (NM_001318031.2); c.3103G>A (NM_020436.4); short protein forms G1035S, G598S.
Identifiers: ClinVar variation 674937 (VCV000674937.12), dbSNP rs76648342, ClinGen allele CA9911919.